The following is an entry in ClinVar:

NM_000257.4(MYH7):c.3137T>G (p.Met1046Arg)

Gene: MYH7 (myosin heavy chain 7; minus strand). Cytogenetic location: 14q11.2.
Variant type: single nucleotide variant.
Coding change: c.3137T>G on transcript NM_000257.4 (MANE Select); coding-DNA position 3137, T replaced by G.
Protein change: p.Met1046Arg; replaces methionine 1046 with arginine.
Molecular consequence: missense variant.
Genome position (GRCh38, 1-based): chr14:23,422,288, A>C on the plus strand (T>G on the coding strand, the complement: MYH7 is on the minus strand). VCF-style: chr14-23422288-A-C. GRCh37 (hg19) VCF-style: chr14-23891497-A-C.
Other names: c.3137T>G (NM_000257.2); short protein forms M1046R.
Identifiers: ClinVar variation 864287 (VCV000864287.12), dbSNP rs763760498, ClinGen allele CA035837.

ClinVar aggregate classification (germline): Uncertain significance. Review status: criteria provided, multiple submitters, no conflicts (2 of 4 stars). 5 submissions from 5 submitters: Uncertain significance (5). Last evaluated 2026-06-29.

Conditions:
Cardiovascular phenotype. Identifiers: MedGen CN230736.
Hypertrophic cardiomyopathy. Also called: HYPERTROPHIC MYOCARDIOPATHY. Identifiers: Orphanet 217569, MedGen C0007194, MeSH D002312, MONDO:0005045, HP:0001639.
Hypertrophic cardiomyopathy 1 (CMH1). Also called: Familial hypertrophic cardiomyopathy 1; MYH7-Related Familial Hypertrophic Cardiomyopathy. Identifiers: MedGen C3495498, MONDO:0008647, OMIM 192600.
Myosin storage myopathy (CMYO7A). Also called: MYOPATHY, HYALINE BODY, AUTOSOMAL DOMINANT; SCAPULOPERONEAL MUSCULAR DYSTROPHY; SCAPULOPERONEAL SYNDROME, MYOPATHIC TYPE; MYH7-related late-onset scapuloperoneal muscular dystrophy; Congenital myopathy 7A, myosin storage, autosomal dominant; Scapuloperoneal myopathy, MYH7-related. Identifiers: Orphanet 437572, Orphanet 636965, MedGen C1842160, MONDO:0008409, OMIM 608358.
Congenital myopathy with fiber type disproportion. Also called: Congenital fiber-type disproportion myopathy; Congenital fiber-type disproportion. Identifiers: Orphanet 2020, MedGen C0546264, MONDO:0009711. Inheritance: all.
Myopathy, myosin storage, autosomal recessive (CMYO7B). Also called: CONGENITAL MYOPATHY 7B, MYOSIN STORAGE, AUTOSOMAL RECESSIVE. Identifiers: Orphanet 636970, MedGen C1850709, MONDO:0009708, OMIM 255160.
Dilated cardiomyopathy 1S (CMD1S). Identifiers: Orphanet 154, Orphanet 54260, MedGen C1834481, MONDO:0013262, OMIM 613426.
MYH7-related skeletal myopathy. Also called: Myopathy, distal, 1; MYOPATHY, DISTAL, EARLY-ONSET, AUTOSOMAL DOMINANT; MYOPATHY, LATE DISTAL HEREDITARY; Laing distal myopathy; Laing early-onset distal myopathy. Identifiers: Orphanet 59135, MedGen C4552004, MONDO:0008050, OMIM 160500.
Cardiomyopathy (CMYO). Also called: Cardiomyopathies. Identifiers: Orphanet 167848, MedGen C0878544, MONDO:0004994, HP:0001638. Inheritance: Various modes of inheritance.

Allele frequency attached by ClinVar (database versions not stated): TOPMed below 0.00001; ExAC 0.00001.

Submissions (5):

Ambry Genetics
Classification: Uncertain significance for Cardiovascular phenotype. Last evaluated: 2026-06-29. Review status: criteria provided, single submitter. Criteria: Ambry Variant Classification Scheme 2023. Collection method: clinical testing. Allele origin: germline.
Comment: The p.M1046R variant (also known as c.3137T>G), located in coding exon 23 of the MYH7 gene, results from a T to G substitution at nucleotide position 3137. The methionine at codon 1046 is replaced by arginine, an amino acid with similar properties. This variant was reported in individual(s) with features consistent with hypertrophic cardiomyopathy (Zhou H et al. Eur Radiol, 2021 Jun;31:3931-3940; Harper AR et al. Nat Genet, 2021 Feb;53:135-142; Ambry internal data). This amino acid position is highly conserved in available vertebrate species. In addition, this alteration is predicted to be deleterious by in silico analysis. Based on the available evidence, the clinical significance of this variant remains unclear.

Labcorp Genetics (formerly Invitae), Labcorp
Classification: Uncertain significance for Hypertrophic cardiomyopathy. Last evaluated: 2025-03-05. Review status: criteria provided, single submitter. Criteria: Invitae Variant Classification Sherloc (09022015). Collection method: clinical testing. Allele origin: germline.
Comment: This sequence change replaces methionine, which is neutral and non-polar, with arginine, which is basic and polar, at codon 1046 of the MYH7 protein (p.Met1046Arg). This variant is present in population databases (rs763760498, gnomAD 0.008%). This variant has not been reported in the literature in individuals affected with MYH7-related conditions. ClinVar contains an entry for this variant (Variation ID: 864287). Invitae Evidence Modeling of protein sequence and biophysical properties (such as structural, functional, and spatial information, amino acid conservation, physicochemical variation, residue mobility, and thermodynamic stability) indicates that this missense variant is expected to disrupt MYH7 protein function with a positive predictive value of 95%. In summary, the available evidence is currently insufficient to determine the role of this variant in disease. Therefore, it has been classified as a Variant of Uncertain Significance.

GeneDx
Classification: Uncertain significance. Last evaluated: 2025-02-26. Review status: criteria provided, single submitter. Criteria: GeneDx Variant Classification Process June 2021. Collection method: clinical testing. Allele origin: germline. Affected: yes.
Comment: Not observed at significant frequency in large population cohorts (gnomAD); In silico analysis supports that this missense variant has a deleterious effect on protein structure/function; Has not been previously published as pathogenic or benign to our knowledge; This variant is associated with the following publications: (PMID: 22958901)

All of Us Research Program, National Institutes of Health
Classification: Uncertain significance for Cardiomyopathy. Last evaluated: 2023-06-08. Review status: criteria provided, single submitter. Criteria: ACMG Guidelines, 2015. Collection method: clinical testing. Allele origin: germline. Inheritance: Autosomal dominant inheritance. Observed: 1 variant allele, 1 heterozygote.
Comment: This missense variant replaces methionine with arginine at codon 1046 of the MYH7 protein. Computational prediction suggests that this variant may have deleterious impact on protein structure and function (internally defined REVEL score threshold >= 0.7, PMID: 27666373). To our knowledge, functional studies have not been reported for this variant. This variant has not been reported in individuals affected with cardiovascular disorders in the literature. This variant has been identified in 2/282854 chromosomes in the general population by the Genome Aggregation Database (gnomAD). The available evidence is insufficient to determine the role of this variant in disease conclusively. Therefore, this variant is classified as a Variant of Uncertain Significance.

This study involves interpretation of variants in research participants for the purpose of population health screening. Participant phenotype was not available at the time of variant classification. Additional details can be found in publication PMID: 35346344, PMCID: PMC8962531

Fulgent Genetics
Classification: Uncertain significance for MYH7-related skeletal myopathy; Myosin storage myopathy; Hypertrophic cardiomyopathy 1; Myopathy, myosin storage, autosomal recessive; Congenital myopathy 4A, autosomal dominant; Dilated cardiomyopathy 1S. Last evaluated: 2022-02-23. Review status: criteria provided, single submitter. Criteria: ACMG Guidelines, 2015. Collection method: clinical testing. Allele origin: unknown.

Literature cited by the submitters: PubMed 33241513 (cited by Ambry Genetics); PubMed 33495597 (cited by Ambry Genetics).